The following is an entry in ClinVar:

NM_001365536.1(SCN9A):c.2734G>A (p.Asp912Asn)

Genes: SCN1A-AS1 (SCN1A and SCN9A antisense RNA 1; plus strand), SCN9A (sodium voltage-gated channel alpha subunit 9; minus strand). Cytogenetic location: 2q24.3.
Variant type: single nucleotide variant.
Coding change: c.2734G>A on transcript NM_001365536.1 (MANE Select); coding-DNA position 2734, G replaced by A.
Protein change: p.Asp912Asn; replaces aspartic acid 912 with asparagine.
Molecular consequence: missense variant. On other transcripts: non-coding transcript variant (1).
Genome position (GRCh38, 1-based): chr2:166,277,123, C>T on the plus strand (G>A on the coding strand, the complement: SCN9A is on the minus strand). VCF-style: chr2-166277123-C-T. GRCh37 (hg19) VCF-style: chr2-167133633-C-T.
Other names: c.2701G>A, p.Asp901Asn (NM_002977.4); short protein forms D912N, D901N.
Identifiers: ClinVar variation 1387587 (VCV001387587.7), dbSNP rs2106468932, ClinGen allele CA349077661.

ClinVar aggregate classification (germline): Uncertain significance. Review status: criteria provided, multiple submitters, no conflicts (2 of 4 stars). 2 submissions from 2 submitters: Uncertain significance (2). Last evaluated 2025-03-12.

Conditions:
Neuropathy, hereditary sensory and autonomic, type 2A (HSAN2A). Also called: ACROOSTEOLYSIS, GIACCAI TYPE; ACROOSTEOLYSIS, NEUROGENIC; NEUROPATHY, CONGENITAL SENSORY; NEUROPATHY, HEREDITARY SENSORY RADICULAR, AUTOSOMAL RECESSIVE; NEUROPATHY, HEREDITARY SENSORY, TYPE IIA; NEUROPATHY, PROGRESSIVE SENSORY, OF CHILDREN. Identifiers: Orphanet 970, MedGen C2752089, MONDO:0024309, OMIM 201300.
Generalized epilepsy with febrile seizures plus, type 7 (GEFSP7). Also called: GEFS+, TYPE 7. Identifiers: Orphanet 36387, MedGen C2751778, MONDO:0013470, OMIM 613863.

Allele frequency attached by ClinVar (database versions not stated): gnomAD exomes below 0.00001.
gnomAD v4.1: 4 of 1,613,950 alleles (0.00025%); highest among the groups gnomAD compares: Non-Finnish European, 0.00025%; no homozygotes.

Submissions (2):

GeneDx
Classification: Uncertain significance. Last evaluated: 2025-03-12. Review status: criteria provided, single submitter. Criteria: GeneDx Variant Classification Process June 2021. Collection method: clinical testing. Allele origin: germline. Affected: yes.
Comment: Not observed at significant frequency in large population cohorts (gnomAD); In silico analysis supports that this missense variant has a deleterious effect on protein structure/function; Has not been previously published as pathogenic or benign to our knowledge

Labcorp Genetics (formerly Invitae), Labcorp
Classification: Uncertain significance for Neuropathy, hereditary sensory and autonomic, type 2A; Generalized epilepsy with febrile seizures plus, type 7. Last evaluated: 2025-02-03. Review status: criteria provided, single submitter. Criteria: Invitae Variant Classification Sherloc (09022015). Collection method: clinical testing. Allele origin: germline.
Comment: This sequence change replaces aspartic acid, which is acidic and polar, with asparagine, which is neutral and polar, at codon 901 of the SCN9A protein (p.Asp901Asn). This variant is not present in population databases (gnomAD no frequency). This variant has not been reported in the literature in individuals affected with SCN9A-related conditions. ClinVar contains an entry for this variant (Variation ID: 1387587). Invitae Evidence Modeling of protein sequence and biophysical properties (such as structural, functional, and spatial information, amino acid conservation, physicochemical variation, residue mobility, and thermodynamic stability) indicates that this missense variant is not expected to disrupt SCN9A protein function with a negative predictive value of 80%. In summary, the available evidence is currently insufficient to determine the role of this variant in disease. Therefore, it has been classified as a Variant of Uncertain Significance.